The following is an entry in ClinVar:

NM_004100.5(EYA4):c.1408G>A (p.Gly470Ser)

Genes: EYA4 (EYA transcriptional coactivator and phosphatase 4; plus strand), TARID (TCF21 antisense RNA inducing promoter demethylation; minus strand). Cytogenetic location: 6q23.2.
Variant type: single nucleotide variant.
Coding change: c.1408G>A on transcript NM_004100.5 (MANE Select); coding-DNA position 1408, G replaced by A.
Protein change: p.Gly470Ser; replaces glycine 470 with serine.
Molecular consequence: missense variant.
Genome position (GRCh38, 1-based): chr6:133,512,945, G>A. VCF-style: chr6-133512945-G-A. GRCh37 (hg19) VCF-style: chr6-133834083-G-A.
Other names: c.1246G>A, p.Gly416Ser (NM_001301012.2); c.1426G>A, p.Gly476Ser (NM_001301013.2); c.1339G>A, p.Gly447Ser (NM_001370458.1, NM_172103.4); c.1264G>A, p.Gly422Ser (NM_001370459.1); c.1408G>A, p.Gly470Ser (NM_172105.4); short protein forms G416S, G422S, G447S, G476S, G470S.
Identifiers: ClinVar variation 1390923 (VCV001390923.6), dbSNP rs2128782369, ClinGen allele CA365715172.

ClinVar aggregate classification (germline): Uncertain significance (1 of 4 stars; one submission).

Conditions:
Dilated cardiomyopathy 1J (CMD1J). Also called: CARDIOMYOPATHY, DILATED, WITH SENSORINEURAL HEARING LOSS, AUTOSOMAL DOMINANT. Identifiers: Orphanet 217622, MedGen C1854368, MONDO:0011541, OMIM 605362.

Submission:

Labcorp Genetics (formerly Invitae), Labcorp
Classification: Uncertain significance for Dilated cardiomyopathy 1J. Last evaluated: 2021-11-02. Review status: criteria provided, single submitter. Criteria: Invitae Variant Classification Sherloc (09022015). Collection method: clinical testing. Allele origin: germline.
Comment: This sequence change replaces glycine, which is neutral and non-polar, with serine, which is neutral and polar, at codon 470 of the EYA4 protein (p.Gly470Ser). This variant is not present in population databases (gnomAD no frequency). This variant has not been reported in the literature in individuals affected with EYA4-related conditions. Algorithms developed to predict the effect of missense changes on protein structure and function are either unavailable or do not agree on the potential impact of this missense change (SIFT: "Deleterious"; PolyPhen-2: "Probably Damaging"; Align-GVGD: "Class C0"). Algorithms developed to predict the effect of sequence changes on RNA splicing suggest that this variant may create or strengthen a splice site. In summary, the available evidence is currently insufficient to determine the role of this variant in disease. Therefore, it has been classified as a Variant of Uncertain Significance.